The following is an entry in ClinVar:

ClinVar aggregate classification (germline): Likely benign (0 of 4 stars; one submission).

Conditions:
EML4-related disorder. Also called: EML4-related condition.

Allele frequency attached by ClinVar (database versions not stated): 1000 Genomes Project 30x 0.00062; ESP Exome Variant Server 0.00077; 1000 Genomes Project 0.00080; gnomAD 0.00093; TOPMed 0.00095; ExAC 0.00109.
gnomAD v4.1: 1,826 of 1,547,734 alleles (0.12%); highest among the groups gnomAD compares: South Asian, 0.36%; 2 homozygotes.

Submission:

PreventionGenetics, part of Exact Sciences
Classification: Likely benign for EML4-related condition. Last evaluated: 2022-02-21. Review status: no assertion criteria provided. Collection method: clinical testing. Allele origin: germline.
Comment: This variant is classified as likely benign based on ACMG/AMP sequence variant interpretation guidelines (Richards et al. 2015 PMID: 25741868, with internal and published modifications).

NM_019063.5(EML4):c.1207G>A (p.Ala403Thr)

Gene: EML4 (EMAP like 4; plus strand). Cytogenetic location: 2p21.
Variant type: single nucleotide variant.
Coding change: c.1207G>A on transcript NM_019063.5 (MANE Select); coding-DNA position 1207, G replaced by A.
Protein change: p.Ala403Thr; replaces alanine 403 with threonine.
Molecular consequence: missense variant.
Genome position (GRCh38, 1-based): chr2:42,288,311, G>A. VCF-style: chr2-42288311-G-A. GRCh37 (hg19) VCF-style: chr2-42515451-G-A.
Other names: c.1033G>A, p.Ala345Thr (NM_001145076.3); c.1240G>A, p.Ala414Thr (NM_001410776.1); short protein forms A345T, A403T, A414T.
Identifiers: ClinVar variation 3049045 (VCV003049045.2), dbSNP rs143932826, ClinGen allele CA1628809.
Genomic context (GRCh38, chr2:42,288,311, plus strand): 5'-ATTGATGACTCCAATGAGCATATGCTTACTGTATGGGACTGGCAGAAGAAAGCAAAAGGA[G>A]CAGAAATAAAGGTAAATTTTTAAAAAACCGAGTATTGTGTTTTAGAGTACGTTACTTGTT-3'
Protein context (NP_061936.3, residues 393-413): VWDWQKKAKG[Ala403Thr]EIKTTNEVVL